The following is an entry in ClinVar:

NM_001375524.1(TRRAP):c.3475G>A (p.Gly1159Arg)

Gene: TRRAP (transformation/transcription domain associated protein; plus strand). Cytogenetic location: 7q22.1.
Variant type: single nucleotide variant.
Coding change: c.3475G>A on transcript NM_001375524.1 (MANE Select); coding-DNA position 3475, G replaced by A.
Protein change: p.Gly1159Arg; replaces glycine 1159 with arginine.
Molecular consequence: missense variant.
Genome position (GRCh38, 1-based): chr7:98,930,714, G>A. VCF-style: chr7-98930714-G-A. GRCh37 (hg19) VCF-style: chr7-98528337-G-A.
Other names: c.3475G>A, p.Gly1159Arg (NM_001244580.2, NM_003496.4); short protein forms G1159R.
Identifiers: ClinVar variation 992413 (VCV000992413.4), dbSNP rs1790288810, ClinGen allele CA368299895.

ClinVar aggregate classification (germline): Likely pathogenic. Review status: criteria provided, single submitter (1 of 4 stars). 2 submissions from 2 submitters: Likely pathogenic (1). 1 of the submissions does not count toward it. Last evaluated 2025-05-15.

Conditions:
Developmental delay with or without dysmorphic facies and autism. Identifiers: MedGen C5193106, MONDO:0032760, OMIM 618454.

Submissions (2):

Dasa
Classification: Likely pathogenic. Last evaluated: 2025-05-15. Review status: criteria provided, single submitter. Criteria: DASA Assertion Criteria. Collection method: clinical testing. Allele origin: germline.
Comment: NM_001375524.1(TRRAP):c.3475G>A (p.Gly1159Arg) is a missense variant that results in the substitution of glycine with arginine. This variant has been reported in individuals with TRRAP-related disorders (PMID: 30827496). This variant has been reported as a de novo occurrence in an affected individual (PMID: 30827496). Also, this variant is absent from population databases. Computational evidence supports a deleterious effect. Based on the currently available evidence, this variant is classified as likely pathogenic.

Bioscientia Institut fuer Medizinische Diagnostik GmbH, Sonic Healthcare
Classification: Pathogenic for Developmental delay with or without dysmorphic facies and autism. Last evaluated: 2020-08-12. Review status: no assertion criteria provided. Collection method: clinical testing. Allele origin: germline. Affected: yes. Not counted in ClinVar's aggregate classification.

Literature cited by the submitters: PubMed 30827496 (cited by Dasa).